The following is an entry in ClinVar:

ClinVar aggregate classification (germline): Benign/Likely benign. Review status: criteria provided, multiple submitters, no conflicts (2 of 4 stars). 8 submissions from 8 submitters: Benign (1); Likely benign (7). Last evaluated 2026-01-11.

Conditions:
Familial cancer of breast. Also called: BREAST CANCER, FAMILIAL; Hereditary breast cancer; hereditary breast carcinoma. Identifiers: Orphanet 227535, MedGen C0346153, MONDO:0016419, OMIM 114480. Disease mechanism: loss of function.
Hereditary cancer-predisposing syndrome. Also called: Tumor predisposition; Neoplastic Syndromes, Hereditary; Hereditary neoplastic syndrome; Hereditary Cancer Syndrome. Identifiers: Orphanet 140162, MedGen C0027672, MeSH D009386, MONDO:0015356.

Allele frequency attached by ClinVar (database versions not stated): gnomAD exomes below 0.00001; gnomAD 0.00001; TOPMed 0.00004.

Submissions (8):

Labcorp Genetics (formerly Invitae), Labcorp
Classification: Likely benign for Familial cancer of breast. Last evaluated: 2026-01-11. Review status: criteria provided, single submitter. Criteria: Invitae Variant Classification Sherloc (09022015). Collection method: clinical testing. Allele origin: germline.

Myriad Genetics, Inc.
Classification: Benign for Familial cancer of breast. Last evaluated: 2024-10-01. Review status: criteria provided, single submitter. Criteria: Myriad Autosomal Dominant, Autosomal Recessive and X-Linked Classification Criteria (2023). Collection method: clinical testing. Allele origin: unknown.
Comment: This variant is considered benign. This variant is a silent/synonymous amino acid change and it is not expected to impact splicing.

Blueprint Genetics
Classification: Likely benign. Last evaluated: 2024-06-26. Review status: criteria provided, single submitter. Criteria: ACMG Guidelines, 2015. Collection method: clinical testing. Allele origin: germline.

Sema4
Classification: Likely benign for Hereditary cancer-predisposing syndrome. Last evaluated: 2021-12-18. Review status: criteria provided, single submitter. Criteria: Sema4 Curation Guidelines. Collection method: curation. Allele origin: germline.

Mendelics
Classification: Likely benign for Familial cancer of breast. Last evaluated: 2019-05-28. Review status: criteria provided, single submitter. Criteria: Mendelics Assertion Criteria 2017. Collection method: clinical testing. Allele origin: unknown.

Color Diagnostics, LLC DBA Color Health
Classification: Likely benign for Hereditary cancer-predisposing syndrome. Last evaluated: 2019-05-01. Review status: criteria provided, single submitter. Criteria: ACMG Guidelines, 2015. Collection method: clinical testing. Allele origin: germline.

Ambry Genetics
Classification: Likely benign for Hereditary cancer-predisposing syndrome. Last evaluated: 2019-01-25. Review status: criteria provided, single submitter. Criteria: Ambry Variant Classification Scheme 2023. Collection method: clinical testing. Allele origin: germline.

GeneDx
Classification: Likely benign. Last evaluated: 2015-11-15. Review status: criteria provided, single submitter. Criteria: GeneDx Variant Classification (06012015). Collection method: clinical testing. Allele origin: germline. Affected: yes.
Comment: This variant is considered likely benign or benign based on one or more of the following criteria: it is a conservative change, it occurs at a poorly conserved position in the protein, it is predicted to be benign by multiple in silico algorithms, and/or has population frequency not consistent with disease.

NM_007194.4(CHEK2):c.99A>G (p.Ser33=)

Gene: CHEK2 (checkpoint kinase 2; minus strand). Cytogenetic location: 22q12.1.
Variant type: single nucleotide variant.
Coding change: c.99A>G on transcript NM_007194.4 (MANE Select); coding-DNA position 99, A replaced by G.
Protein change: p.Ser33=; no amino-acid change (serine 33 retained).
Molecular consequence: synonymous variant.
Genome position (GRCh38, 1-based): chr22:28,734,623, T>C on the plus strand (A>G on the coding strand, the complement: CHEK2 is on the minus strand). VCF-style: chr22-28734623-T-C. GRCh37 (hg19) VCF-style: chr22-29130611-T-C.
Other names: c.99A>G, p.Ser33= (NM_001005735.3, NM_001349956.3, NM_145862.3); c.-679A>G (NM_001257387.3).
Identifiers: ClinVar variation 381543 (VCV000381543.23), dbSNP rs925489951, ClinGen allele CA16608619.